The following is an entry in ClinVar:

ClinVar aggregate classification (germline): Uncertain significance (1 of 4 stars; one submission).

Conditions:
Charcot-Marie-Tooth Neuropathy X. Identifiers: MedGen CN118851.

Submission:

Labcorp Genetics (formerly Invitae), Labcorp
Classification: Uncertain significance for Charcot-Marie-Tooth Neuropathy X. Last evaluated: 2020-09-09. Review status: criteria provided, single submitter. Criteria: Invitae Variant Classification Sherloc (09022015). Collection method: clinical testing. Allele origin: germline.
Comment: Algorithms developed to predict the effect of missense changes on protein structure and function are either unavailable or do not agree on the potential impact of this missense change (SIFT: "Deleterious"; PolyPhen-2: "Benign"; Align-GVGD: "Class C0"). In summary, the available evidence is currently insufficient to determine the role of this variant in disease. Therefore, it has been classified as a Variant of Uncertain Significance. This sequence change replaces isoleucine with threonine at codon 203 of the GJB1 protein (p.Ile203Thr). The isoleucine residue is moderately conserved and there is a moderate physicochemical difference between isoleucine and threonine. This variant is not present in population databases (ExAC no frequency). This variant has not been reported in the literature in individuals with GJB1-related conditions.

NM_000166.6(GJB1):c.608T>C (p.Ile203Thr)

Gene: GJB1 (gap junction protein beta 1; plus strand). Cytogenetic location: Xq13.1.
Variant type: single nucleotide variant.
Coding change: c.608T>C on transcript NM_000166.6 (MANE Select); coding-DNA position 608, T replaced by C.
Protein change: p.Ile203Thr; replaces isoleucine 203 with threonine.
Molecular consequence: missense variant.
Genome position (GRCh38, 1-based): chrX:71,224,315, T>C. VCF-style: chrX-71224315-T-C. GRCh37 (hg19) VCF-style: chrX-70444165-T-C.
Other names: c.608T>C, p.Ile203Thr (NM_001097642.3); short protein forms I203T.
Identifiers: ClinVar variation 1025800 (VCV001025800.8), dbSNP rs1602349749, ClinGen allele CA413503284.
Genomic context (GRCh38, chrX:71,224,315, plus strand): 5'-GCCCCACCGAGAAAACCGTCTTCACCGTCTTCATGCTAGCTGCCTCTGGCATCTGCATCA[T>C]CCTCAATGTGGCCGAGGTGGTGTACCTCATCATCCGGGCCTGTGCCCGCCGAGCCCAGCG-3'
Protein context (NP_000157.1, residues 193-213): FMLAASGICI[Ile203Thr]LNVAEVVYLI